The following is an entry in ClinVar:

ClinVar aggregate classification (germline): Uncertain significance (1 of 4 stars; one submission).

Conditions:
Familial cancer of breast. Also called: Hereditary breast cancer; BREAST CANCER, FAMILIAL; hereditary breast carcinoma. Identifiers: Orphanet 227535, MedGen C0346153, MONDO:0016419, OMIM 114480. Disease mechanism: loss of function.

Submission:

Labcorp Genetics (formerly Invitae), Labcorp
Classification: Uncertain significance for Familial cancer of breast. Last evaluated: 2024-01-21. Review status: criteria provided, single submitter. Criteria: Invitae Variant Classification Sherloc (09022015). Collection method: clinical testing. Allele origin: germline.
Comment: This sequence change replaces glycine, which is neutral and non-polar, with alanine, which is neutral and non-polar, at codon 64 of the BARD1 protein (p.Gly64Ala). This variant is not present in population databases (gnomAD no frequency). This variant has not been reported in the literature in individuals affected with BARD1-related conditions. An algorithm developed to predict the effect of missense changes on protein structure and function (PolyPhen-2) suggests that this variant is likely to be disruptive. In summary, the available evidence is currently insufficient to determine the role of this variant in disease. Therefore, it has been classified as a Variant of Uncertain Significance.

NM_000465.4(BARD1):c.191G>C (p.Gly64Ala)

Gene: BARD1 (BRCA1 associated RING domain 1; minus strand). Cytogenetic location: 2q35.
Variant type: single nucleotide variant.
Coding change: c.191G>C on transcript NM_000465.4 (MANE Select); coding-DNA position 191, G replaced by C.
Protein change: p.Gly64Ala; replaces glycine 64 with alanine.
Molecular consequence: missense variant. On other transcripts: non-coding transcript variant (2), intron variant (2).
Genome position (GRCh38, 1-based): chr2:214,797,085, C>G on the plus strand (G>C on the coding strand, the complement: BARD1 is on the minus strand). VCF-style: chr2-214797085-C-G. GRCh37 (hg19) VCF-style: chr2-215661809-C-G.
Other names: c.191G>C, p.Gly64Ala (NM_001282545.2, NM_001282549.2); c.158+12327G>C (NM_001282548.2); c.159-4640G>C (NM_001282543.2); short protein forms G64A.
Identifiers: ClinVar variation 2783258 (VCV002783258.3), dbSNP rs2469581884, ClinGen allele CA350462225.